The following is an entry in ClinVar:

NM_005744.5(ARIH1):c.278A>G (p.His93Arg)

Gene: ARIH1 (ariadne RBR E3 ubiquitin protein ligase 1; plus strand). Cytogenetic location: 15q24.1.
Variant type: single nucleotide variant.
Coding change: c.278A>G on transcript NM_005744.5 (MANE Select); coding-DNA position 278, A replaced by G.
Protein change: p.His93Arg; replaces histidine 93 with arginine.
Molecular consequence: missense variant.
Genome position (GRCh38, 1-based): chr15:72,474,917, A>G. VCF-style: chr15-72474917-A-G. GRCh37 (hg19) VCF-style: chr15-72767258-A-G.
Other names: c.278A>G (NM_005744.3); short protein forms H93R.
Identifiers: ClinVar variation 3712527 (VCV003712527.3).

ClinVar aggregate classification (germline): Uncertain significance. Review status: criteria provided, multiple submitters, no conflicts (2 of 4 stars). 2 submissions from 2 submitters: Uncertain significance (2). Last evaluated 2025-11-26.

gnomAD v4.1: 12 of 1,484,338 alleles (0.00081%); highest among the groups gnomAD compares: Middle Eastern, 0.017%; no homozygotes.

Submissions (2):

Ambry Genetics
Classification: Uncertain significance. Last evaluated: 2025-11-26. Review status: criteria provided, single submitter. Criteria: Ambry Variant Classification Scheme 2023. Collection method: clinical testing. Allele origin: germline.

Labcorp Genetics (formerly Invitae), Labcorp
Classification: Uncertain significance. Last evaluated: 2024-05-12. Review status: criteria provided, single submitter. Criteria: Invitae Variant Classification Sherloc (09022015). Collection method: clinical testing. Allele origin: germline.
Comment: This sequence change replaces histidine, which is basic and polar, with arginine, which is basic and polar, at codon 93 of the ARIH1 protein (p.His93Arg). This variant is present in population databases (no rsID available, gnomAD 0.005%). This variant has not been reported in the literature in individuals affected with ARIH1-related conditions. An algorithm developed to predict the effect of missense changes on protein structure and function (PolyPhen-2) suggests that this variant is likely to be tolerated. In summary, the available evidence is currently insufficient to determine the role of this variant in disease. Therefore, it has been classified as a Variant of Uncertain Significance.